The following is an entry in ClinVar:

NM_004304.5(ALK):c.25C>T (p.Leu9Phe)

Gene: ALK (ALK receptor tyrosine kinase; minus strand). Cytogenetic location: 2p23.1.
Variant type: single nucleotide variant.
Coding change: c.25C>T on transcript NM_004304.5 (MANE Select); coding-DNA position 25, C replaced by T.
Protein change: p.Leu9Phe; replaces leucine 9 with phenylalanine.
Molecular consequence: missense variant.
Genome position (GRCh38, 1-based): chr2:29,920,635, G>A on the plus strand (C>T on the coding strand, the complement: ALK is on the minus strand). VCF-style: chr2-29920635-G-A. GRCh37 (hg19) VCF-style: chr2-30143501-G-A.
Other names: short protein forms L9F.
Identifiers: ClinVar variation 3524323 (VCV003524323.1).

ClinVar aggregate classification (germline): Uncertain significance (1 of 4 stars; one submission).

Conditions:
Hereditary cancer-predisposing syndrome. Also called: Hereditary Cancer Syndrome; Hereditary neoplastic syndrome; Tumor predisposition; Neoplastic Syndromes, Hereditary. Identifiers: Orphanet 140162, MedGen C0027672, MeSH D009386, MONDO:0015356.

Submission:

Ambry Genetics
Classification: Uncertain significance for Hereditary cancer-predisposing syndrome. Last evaluated: 2024-08-12. Review status: criteria provided, single submitter. Criteria: Ambry Variant Classification Scheme 2023. Collection method: clinical testing. Allele origin: germline.
Comment: The p.L9F variant (also known as c.25C>T), located in coding exon 1 of the ALK gene, results from a C to T substitution at nucleotide position 25. The leucine at codon 9 is replaced by phenylalanine, an amino acid with highly similar properties. This amino acid position is conserved. In addition, the in silico prediction for this alteration is inconclusive. Based on the available evidence, the clinical significance of this variant remains unclear.